The following is an entry in ClinVar:

ClinVar aggregate classification (germline): Pathogenic (1 of 4 stars; one submission).

Conditions:
Familial cancer of breast. Also called: hereditary breast carcinoma; BREAST CANCER, FAMILIAL; Hereditary breast cancer. Identifiers: Orphanet 227535, MedGen C0346153, MONDO:0016419, OMIM 114480. Disease mechanism: loss of function.

Submission:

Labcorp Genetics (formerly Invitae), Labcorp
Classification: Pathogenic for Familial cancer of breast. Last evaluated: 2022-08-27. Review status: criteria provided, single submitter. Criteria: Invitae Variant Classification Sherloc (09022015). Collection method: clinical testing. Allele origin: germline.
Comment: For these reasons, this variant has been classified as Pathogenic. This variant has not been reported in the literature in individuals affected with PALB2-related conditions. This variant is not present in population databases (gnomAD no frequency). This sequence change creates a premature translational stop signal (p.Lys681Asnfs*28) in the PALB2 gene. It is expected to result in an absent or disrupted protein product. Loss-of-function variants in PALB2 are known to be pathogenic (PMID: 17200668, 17200671, 17200672, 24136930, 25099575).

Literature cited by the submitters: PubMed 17200668; PubMed 17200671; PubMed 17200672; PubMed 24136930; PubMed 25099575.

NM_024675.4(PALB2):c.2043del (p.Lys681fs)

Gene: PALB2 (partner and localizer of BRCA2; minus strand). Cytogenetic location: 16p12.2.
Variant type: Deletion.
Coding change: c.2043del on transcript NM_024675.4 (MANE Select); coding-DNA position 2043, one base deleted (A; older notation c.2043delA).
Protein change: p.Lys681fs; shifts the reading frame from lysine 681.
Molecular consequence: frameshift variant.
Genome position (GRCh38, 1-based): chr16:23,630,111, T deleted on the plus strand (A on the coding strand, the reverse complement: PALB2 is on the minus strand); the first of 4 consecutive T bases (chr16:23,630,111-23,630,114); deleting any one gives the same sequence. VCF-style (leftmost placement, unchanged base first): chr16-23630110-AT-A. GRCh37 (hg19) VCF-style: chr16-23641431-AT-A.
Other names: c.1980delA, p.Lys661Asnfs (NM_001407296.1); c.2040delA, p.Lys681Asnfs (NM_001407297.1, NM_001407298.1, NM_001407299.1 and 3 more transcripts); c.1155delA, p.Lys386Asnfs (NM_001407304.1, NM_001407305.1, NM_001407306.1 and 5 more transcripts); c.252delA, p.Lys85Asnfs (NM_001407312.1, NM_001407313.1); short protein forms K681fs.
Identifiers: ClinVar variation 2027183 (VCV002027183.4), dbSNP rs2506425029, ClinGen allele CA2580091372.